The following is an entry in ClinVar:

NM_001123385.2(BCOR):c.2144C>T (p.Thr715Ile)

Gene: BCOR (BCL6 corepressor; minus strand). Cytogenetic location: Xp11.4.
Variant type: single nucleotide variant.
Coding change: c.2144C>T on transcript NM_001123385.2 (MANE Select); coding-DNA position 2144, C replaced by T.
Protein change: p.Thr715Ile; replaces threonine 715 with isoleucine.
Molecular consequence: missense variant.
Genome position (GRCh38, 1-based): chrX:40,073,202, G>A on the plus strand (C>T on the coding strand, the complement: BCOR is on the minus strand). VCF-style: chrX-40073202-G-A. GRCh37 (hg19) VCF-style: chrX-39932455-G-A.
Other names: c.2144C>T, p.Thr715Ile (NM_001123383.2, NM_001123384.2, NM_017745.6); short protein forms T715I.
Identifiers: ClinVar variation 3659341 (VCV003659341.2).

ClinVar aggregate classification (germline): Uncertain significance (1 of 4 stars; one submission).

Conditions:
Oculofaciocardiodental syndrome (MCOPS2). Identifiers: Orphanet 2712, MedGen C1846265, MONDO:0010261, OMIM 300166.

Submission:

Labcorp Genetics (formerly Invitae), Labcorp
Classification: Uncertain significance for Oculofaciocardiodental syndrome. Last evaluated: 2025-10-02. Review status: criteria provided, single submitter. Criteria: Invitae Variant Classification Sherloc (09022015). Collection method: clinical testing. Allele origin: germline.
Comment: This sequence change replaces threonine, which is neutral and polar, with isoleucine, which is neutral and non-polar, at codon 715 of the BCOR protein (p.Thr715Ile). This variant is not present in population databases (gnomAD no frequency). This variant has not been reported in the literature in individuals affected with BCOR-related conditions. ClinVar contains an entry for this variant (Variation ID: 3659341). An algorithm developed to predict the effect of missense changes on protein structure and function (PolyPhen-2) suggests that this variant is likely to be disruptive. In summary, the available evidence is currently insufficient to determine the role of this variant in disease. Therefore, it has been classified as a Variant of Uncertain Significance.